The following is an entry in ClinVar:

NM_001206927.2(DNAH8):c.11563+1G>T

Genes: DNAH8 (dynein axonemal heavy chain 8; plus strand), DNAH8-AS1 (DNAH8 antisense RNA 1; minus strand). Cytogenetic location: 6p21.2.
Variant type: single nucleotide variant.
Coding change: c.11563+1G>T on transcript NM_001206927.2 (MANE Select); the canonical splice donor site of the intron after coding-DNA position 11563, G replaced by T.
Molecular consequence: splice donor variant.
Genome position (GRCh38, 1-based): chr6:38,935,698, G>T. VCF-style: chr6-38935698-G-T. GRCh37 (hg19) VCF-style: chr6-38903474-G-T.
Other names: c.10912+1G>T (NM_001371.4).
Identifiers: ClinVar variation 570182 (VCV000570182.10), dbSNP rs776791493, ClinGen allele CA3791089.

ClinVar aggregate classification (germline): Likely pathogenic. Review status: criteria provided, multiple submitters, no conflicts (2 of 4 stars). 3 submissions from 3 submitters: Likely pathogenic (3). Last evaluated 2026-05-13.

Conditions:
DNAH8-related disorder. Also called: DNAH8-related condition.
Primary ciliary dyskinesia. Also called: Ciliary dyskinesia. Identifiers: Orphanet 244, MedGen C0008780, MONDO:0016575, HP:0012265.

Allele frequency attached by ClinVar (database versions not stated): gnomAD 0.00004; TOPMed 0.00013.
gnomAD v4.1: 350 of 1,587,372 alleles (0.022%); highest among the groups gnomAD compares: Non-Finnish European, 0.03%; no homozygotes.

Submissions (3):

PreventionGenetics, part of Exact Sciences
Classification: Likely pathogenic for DNAH8-related condition. Last evaluated: 2026-05-13. Review status: criteria provided, single submitter. Criteria: ACMG Guidelines, 2015. Collection method: clinical testing. Allele origin: germline.
Comment: The DNAH8 c.11563+1G>T variant is predicted to disrupt the GT donor site and interfere with normal splicing. To our knowledge, this variant has not been reported in the literature. This variant is reported in 0.0063% of alleles in individuals of European (Non-Finnish) descent in gnomAD. Variants that disrupt the consensus splice donor site in DNAH8 are expected to be pathogenic. This variant is interpreted as likely pathogenic.

Labcorp Genetics (formerly Invitae), Labcorp
Classification: Likely pathogenic for Primary ciliary dyskinesia. Last evaluated: 2026-01-26. Review status: criteria provided, single submitter. Criteria: Invitae Variant Classification Sherloc (09022015). Collection method: clinical testing. Allele origin: germline.
Comment: This sequence change affects a donor splice site in intron 77 of the DNAH8 gene. It is expected to disrupt RNA splicing. Variants that disrupt the donor or acceptor splice site typically lead to a loss of protein function (PMID: 16199547), and loss-of-function variants in DNAH8 are known to be pathogenic (PMID: 24307375, 32619401, 32681648). This variant is present in population databases (rs776791493, gnomAD 0.006%). This variant has not been reported in the literature in individuals affected with DNAH8-related conditions. ClinVar contains an entry for this variant (Variation ID: 570182). Algorithms developed to predict the effect of sequence changes on RNA splicing suggest that this variant may disrupt the consensus splice site. In summary, the currently available evidence indicates that the variant is pathogenic, but additional data are needed to prove that conclusively. Therefore, this variant has been classified as Likely Pathogenic.

UNC Molecular Genetics  Laboratory, University of North Carolina at Chapel Hill
Classification: Likely pathogenic for Primary ciliary dyskinesia. Last evaluated: 2019-05-08. Review status: criteria provided, single submitter. Criteria: ACMG Guidelines, 2015. Collection method: clinical testing. Allele origin: germline. Observed: 1 heterozygote.

Literature cited by the submitters: PubMed 16199547 (cited by Labcorp Genetics (formerly Invitae), Labcorp); PubMed 24307375 (cited by Labcorp Genetics (formerly Invitae), Labcorp); PubMed 32619401 (cited by Labcorp Genetics (formerly Invitae), Labcorp); PubMed 32681648 (cited by Labcorp Genetics (formerly Invitae), Labcorp).